The following is an entry in ClinVar:

ClinVar aggregate classification (germline): Uncertain significance (1 of 4 stars; one submission).

gnomAD v4.1: 1 of 1,613,964 alleles (0.000062%); highest among the groups gnomAD compares: Non-Finnish European, 0.000085%; no homozygotes.

Submission:

Women's Health and Genetics/Laboratory Corporation of America, LabCorp
Classification: Uncertain significance. Last evaluated: 2025-12-15. Review status: criteria provided, single submitter. Criteria: LabCorp Variant Classification Summary - May 2015. Collection method: clinical testing. Allele origin: germline.
Comment: Variant summary: ELP1 c.303+5G>A alters a nucleotide located close to a canonical splice site and therefore could affect mRNA splicing, leading to a significantly altered protein sequence. Several computational tools predict a significant impact on normal splicing: Three predict the variant weakens a 5' donor site. One predicts the variant has no significant impact on splicing. However, these predictions have yet to be confirmed by functional studies. The variant allele was found at a frequency of 6.2e-07 in 1613964 control chromosomes (gnomAD v4). The available data on variant occurrences in the general population are insufficient to allow any conclusion about variant significance. To our knowledge, no occurrence of c.303+5G>A in individuals affected with ELP1-related conditions and no experimental evidence demonstrating its impact on protein function have been reported. No submitters have cited clinical-significance assessments for this variant to ClinVar. Based on the evidence outlined above, the variant was classified as uncertain significance.

NM_003640.5(ELP1):c.303+5G>A

Gene: ELP1 (elongator acetyltransferase complex subunit 1; minus strand). Cytogenetic location: 9q31.3.
Variant type: single nucleotide variant.
Coding change: c.303+5G>A on transcript NM_003640.5 (MANE Select); 5 bases into the intron after coding-DNA position 303, G replaced by A.
Molecular consequence: intron variant.
Genome position (GRCh38, 1-based): chr9:108,929,764, C>T on the plus strand (G>A on the coding strand, the complement: ELP1 is on the minus strand). VCF-style: chr9-108929764-C-T. GRCh37 (hg19) VCF-style: chr9-111692044-C-T.
Other names: c.-40+5G>A (NM_001318360.2); c.-557+5G>A (NM_001330749.2).
Identifiers: ClinVar variation 4688307 (VCV004688307.1).
Genomic context (GRCh38, chr9:108,929,764, plus strand): 5'-ACAAATAGCAAGTAACCTATTTGAGGATGCTTGAGACTCCCCCCTCACTGGAGTCTTCCA[C>T]TTACCTGTTGTGTGCTGAGACTGCAGAGTATGACGTCTCCAGAGGCTGTGGCCACACACA-3'